The following is an entry in ClinVar:

NM_006231.4(POLE):c.6098_6099delinsAT (p.Leu2033His)

Gene: POLE (DNA polymerase epsilon, catalytic subunit; minus strand). Cytogenetic location: 12q24.33.
Variant type: Indel.
Coding change: c.6098_6099delinsAT on transcript NM_006231.4 (MANE Select); coding-DNA positions 6098 to 6099, TC replaced by AT.
Protein change: p.Leu2033His; replaces leucine 2033 with histidine.
Molecular consequence: missense variant.
Genome position (GRCh38, 1-based): chr12:132,632,701-132,632,702, GA replaced by AT on the plus strand (TC replaced by AT on the coding strand, the reverse complement: POLE is on the minus strand). VCF-style: chr12-132632701-GA-AT. GRCh37 (hg19) VCF-style: chr12-133209287-GA-AT.
Other names: c.6098_6099delTCinsAT (NM_006231.2); short protein forms L2033H.
Identifiers: ClinVar variation 3729819 (VCV003729819.3).

ClinVar aggregate classification (germline): Uncertain significance. Review status: criteria provided, multiple submitters, no conflicts (2 of 4 stars). 2 submissions from 2 submitters: Uncertain significance (2). Last evaluated 2025-11-17.

Conditions:
Hereditary cancer-predisposing syndrome. Also called: Tumor predisposition; Hereditary Cancer Syndrome; Hereditary neoplastic syndrome; Neoplastic Syndromes, Hereditary. Identifiers: Orphanet 140162, MedGen C0027672, MeSH D009386, MONDO:0015356.

Submissions (2):

Ambry Genetics
Classification: Uncertain significance for Hereditary cancer-predisposing syndrome. Last evaluated: 2025-11-17. Review status: criteria provided, single submitter. Criteria: Ambry Variant Classification Scheme 2023. Collection method: clinical testing. Allele origin: germline.
Comment: The c.6098_6099delTCinsAT variant, located in coding exon 44 of the POLE gene, results from an in-frame deletion of TC and insertion of AT at nucleotide positions 6098 to 6099. This results in the substitution of the leucine residue for a histidine residue at codon 2033, an amino acid with similar properties. This amino acid position is not well conserved in available vertebrate species. Based on the available evidence, the clinical significance of this variant remains unclear.

Labcorp Genetics (formerly Invitae), Labcorp
Classification: Uncertain significance. Last evaluated: 2025-01-30. Review status: criteria provided, single submitter. Criteria: Invitae Variant Classification Sherloc (09022015). Collection method: clinical testing. Allele origin: germline.
Comment: This sequence change replaces leucine, which is neutral and non-polar, with histidine, which is basic and polar, at codon 2033 of the POLE protein (p.Leu2033His). Information on the frequency of this variant in the gnomAD database is not available, as this variant may be reported differently in the database. This variant has not been reported in the literature in individuals affected with POLE-related conditions. An algorithm developed to predict the effect of missense changes on protein structure and function (PolyPhen-2) suggests that this variant is likely to be tolerated. In summary, the available evidence is currently insufficient to determine the role of this variant in disease. Therefore, it has been classified as a Variant of Uncertain Significance.